The following is an entry in ClinVar:

NM_000360.4(TH):c.91-814G>A

Gene: TH (tyrosine hydroxylase; minus strand). Cytogenetic location: 11p15.5.
Variant type: single nucleotide variant.
Coding change: c.91-814G>A on transcript NM_000360.4 (MANE Select); 814 bases into the intron before coding-DNA position 91, G replaced by A.
Molecular consequence: intron variant.
Genome position (GRCh38, 1-based): chr11:2,170,685, C>T on the plus strand (G>A on the coding strand, the complement: TH is on the minus strand). VCF-style: chr11-2170685-C-T. GRCh37 (hg19) VCF-style: chr11-2191915-C-T.
Other names: c.171+5G>A (NM_199293.3); c.183+5G>A (NM_199292.3).
Identifiers: ClinVar variation 4062294 (VCV004062294.2).

ClinVar aggregate classification (germline): Uncertain significance. Review status: criteria provided, single submitter (1 of 4 stars). 2 submissions from 2 submitters: Uncertain significance (1). 1 of the submissions does not count toward it. Last evaluated 2026-06-16.

Conditions:
TH-deficient dopa-responsive dystonia. Also called: DYT-TH; Tyrosine Hydroxylase-Deficient Dopa-Responsive Dystonia; Segawa syndrome, autosomal recessive. Identifiers: Orphanet 101150, MedGen C2673535, MONDO:0011551, OMIM 605407.

gnomAD v4.1: 4 of 1,602,550 alleles (0.00025%); highest among the groups gnomAD compares: South Asian, 0.0045%; no homozygotes.

Submissions (2):

Women's Health and Genetics/Laboratory Corporation of America, LabCorp
Classification: Uncertain significance. Last evaluated: 2026-06-16. Review status: criteria provided, single submitter. Criteria: LabCorp Variant Classification Summary - May 2015. Collection method: clinical testing. Allele origin: germline.
Comment: Variant summary: TH c.183+5G>A alters a nucleotide located close to a canonical splice site and therefore could affect mRNA splicing, leading to a significantly altered protein sequence. Several computational tools predict a significant impact on normal splicing: Three predict the variant weakens a 5' donor site. Four predict the variant creates a cryptic 5' donor site. However, these predictions have yet to be confirmed by functional studies. The variant allele was found at a frequency of 4.4e-06 in 228638 control chromosomes. The available data on variant occurrences in the general population are insufficient to allow any conclusion about variant significance. To our knowledge, no occurrence of c.183+5G>A in individuals affected with TH-related conditions and no experimental evidence demonstrating its impact on protein function have been reported. ClinVar contains an entry for this variant (Variation ID: 4062294). Based on the evidence outlined above, the variant was classified as uncertain significance.

Natera, Inc.
Classification: Uncertain significance for Autosomal recessive Segawa syndrome. Last evaluated: 2025-05-01. Review status: no assertion criteria provided. Collection method: clinical testing. Allele origin: germline. Not counted in ClinVar's aggregate classification.